The following is an entry in ClinVar:

ClinVar aggregate classification (germline): Likely pathogenic. Review status: criteria provided, single submitter (1 of 4 stars). 2 submissions from 2 submitters: Likely pathogenic (1). 1 of the submissions does not count toward it. Last evaluated 2024-12-04.

Conditions:
WNT10A-related disorder. Also called: WNT10A-related disorders; WNT10A-related condition.
Schöpf-Schulz-Passarge syndrome. Also called: SchC6pf-Schulz-Passarge syndrome; ECCRINE TUMORS WITH ECTODERMAL DYSPLASIA; KERATOSIS PALMOPLANTARIS WITH CYSTIC EYELIDS, HYPODONTIA, AND HYPOTRICHOSIS. Identifiers: Orphanet 50944, MedGen C1857069, MONDO:0009145, OMIM 224750.

Submissions (2):

Natera, Inc.
Classification: Likely pathogenic for Schopf-Schulz-Passarge syndrome. Last evaluated: 2024-12-04. Review status: criteria provided, single submitter. Criteria: Natera Variant Classification Schema (03/2026). Collection method: clinical testing. Allele origin: germline.
Comment: The c.532_537delCAACTGinsA variant in WNT10A is a frameshift variant predicted to shift the reading frame beginning at codon 178 and leads to a stop codon 7 codons downstream. This variant is expected to result in nonsense mediated decay, truncation, or a dysfunctional protein product. This variant is rare in the general population with a frequency below the threshold expected for the associated phenotype(s). Given the available evidence, this variant is classified as Likely Pathogenic.

PreventionGenetics, part of Exact Sciences
Classification: Pathogenic for WNT10A-related condition. Last evaluated: 2023-11-29. Review status: no assertion criteria provided. Collection method: clinical testing. Allele origin: germline. Not counted in ClinVar's aggregate classification.
Comment: The WNT10A c.532_537delinsA variant is predicted to result in a frameshift and premature protein termination (p.Gln178Argfs*7). To our knowledge, this variant has not been reported in the literature or in a large population database, indicating this variant is rare. Frameshift variants in WNT10A are expected to be pathogenic. This variant is interpreted as pathogenic.

NM_025216.3(WNT10A):c.532_537delinsA (p.Gln178fs)

Gene: WNT10A (Wnt family member 10A; plus strand). Cytogenetic location: 2q35.
Variant type: Indel.
Coding change: c.532_537delinsA on transcript NM_025216.3 (MANE Select); coding-DNA positions 532 to 537, CAACTG replaced by A.
Protein change: p.Gln178fs; shifts the reading frame from glutamine 178.
Molecular consequence: frameshift variant.
Genome position (GRCh38, 1-based): chr2:218,890,139-218,890,144, CAACTG replaced by A. VCF-style: chr2-218890139-CAACTG-A. GRCh37 (hg19) VCF-style: chr2-219754861-CAACTG-A.
Other names: c.532_537delCAACTGinsA (NM_025216.2); short protein forms Q178fs.
Identifiers: ClinVar variation 3039373 (VCV003039373.3), dbSNP rs2470312725, ClinGen allele CA2740096465.